The following is an entry in ClinVar:

ClinVar aggregate classification (germline): Uncertain significance (1 of 4 stars; one submission).

gnomAD v4.1: 10 of 1,608,438 alleles (0.00062%); highest among the groups gnomAD compares: African/African-American, 0.0013%; no homozygotes.

Submission:

Labcorp Genetics (formerly Invitae), Labcorp
Classification: Uncertain significance. Last evaluated: 2025-09-02. Review status: criteria provided, single submitter. Criteria: Invitae Variant Classification Sherloc (09022015). Collection method: clinical testing. Allele origin: germline.
Comment: This sequence change replaces proline, which is neutral and non-polar, with leucine, which is neutral and non-polar, at codon 1203 of the COL4A3 protein (p.Pro1203Leu). This variant is not present in population databases (gnomAD no frequency). This variant has not been reported in the literature in individuals affected with COL4A3-related conditions. Invitae Evidence Modeling of protein sequence and biophysical properties (such as structural, functional, and spatial information, amino acid conservation, physicochemical variation, residue mobility, and thermodynamic stability) has been performed for this missense variant. However, the output from this modeling did not meet the statistical confidence thresholds required to predict the impact of this variant on COL4A3 protein function. In summary, the available evidence is currently insufficient to determine the role of this variant in disease. Therefore, it has been classified as a Variant of Uncertain Significance.

NM_000091.5(COL4A3):c.3608C>T (p.Pro1203Leu)

Genes: COL4A3 (collagen type IV alpha 3 chain; plus strand), MFF-DT (MFF divergent transcript; minus strand). Cytogenetic location: 2q36.3.
Variant type: single nucleotide variant.
Coding change: c.3608C>T on transcript NM_000091.5 (MANE Select); coding-DNA position 3608, C replaced by T.
Protein change: p.Pro1203Leu; replaces proline 1203 with leucine.
Molecular consequence: missense variant.
Genome position (GRCh38, 1-based): chr2:227,297,716, C>T. VCF-style: chr2-227297716-C-T. GRCh37 (hg19) VCF-style: chr2-228162432-C-T.
Other names: short protein forms P1203L.
Identifiers: ClinVar variation 4706459 (VCV004706459.1).
Genomic context (GRCh38, chr2:227,297,716, plus strand): 5'-AAGCCTTCTTCTTTGCAGGAGCCAAAGGAGACAGGGGAGCCCCAGGTTTTCCTGGCCTCC[C>T]GGGCAGAAAAGGGGCCATGGGAGATGCTGGACCTCGAGGACCCACAGGCATAGAAGGATT-3'
Protein context (NP_000082.2, residues 1193-1213): DRGAPGFPGL[Pro1203Leu]GRKGAMGDAG